The following is an entry in ClinVar:

NM_000455.5(STK11):c.1051G>A (p.Glu351Lys)

Genes: STK11 (serine/threonine kinase 11; plus strand), LOC130062899 (ATAC-STARR-seq lymphoblastoid active region 13597; plus strand). Cytogenetic location: 19p13.3.
Variant type: single nucleotide variant.
Coding change: c.1051G>A on transcript NM_000455.5 (MANE Select); coding-DNA position 1051, G replaced by A.
Protein change: p.Glu351Lys; replaces glutamic acid 351 with lysine.
Molecular consequence: missense variant.
Genome position (GRCh38, 1-based): chr19:1,223,115, G>A. VCF-style: chr19-1223115-G-A. GRCh37 (hg19) VCF-style: chr19-1223114-G-A.
Other names: short protein forms E351K.
Identifiers: ClinVar variation 484997 (VCV000484997.25), dbSNP rs746460823, ClinGen allele CA044937.

ClinVar aggregate classification (germline): Uncertain significance. Review status: criteria provided, multiple submitters, no conflicts (2 of 4 stars). 7 submissions from 7 submitters: Uncertain significance (7). Last evaluated 2025-09-24.

Conditions:
Hereditary cancer-predisposing syndrome. Also called: Hereditary neoplastic syndrome; Neoplastic Syndromes, Hereditary; Tumor predisposition; Hereditary Cancer Syndrome. Identifiers: Orphanet 140162, MedGen C0027672, MeSH D009386, MONDO:0015356.
Melanoma, cutaneous malignant, susceptibility to, 1 (CMM1). Also called: MELANOMA, MALIGNANT; B-K MOLE SYNDROME; DYSPLASTIC NEVUS SYNDROME, HEREDITARY; FAMILIAL ATYPICAL MOLE-MALIGNANT MELANOMA SYNDROME. Identifiers: Orphanet 618, MedGen C1835047, MONDO:0007963, OMIM 155600.
Peutz-Jeghers syndrome (PJS). Also called: POLYPOSIS, HAMARTOMATOUS INTESTINAL; POLYPS-AND-SPOTS SYNDROME; Peutz-Jeghers polyposis; Periorificial lentiginosis syndrome. Identifiers: Orphanet 2869, MedGen C0031269, MeSH D010580, MONDO:0008280, OMIM 175200.

Allele frequency attached by ClinVar (database versions not stated): ExAC 0.00001; gnomAD exomes 0.00001; TOPMed 0.00001.

Submissions (7):

Labcorp Genetics (formerly Invitae), Labcorp
Classification: Uncertain significance for Peutz-Jeghers syndrome. Last evaluated: 2025-09-24. Review status: criteria provided, single submitter. Criteria: Invitae Variant Classification Sherloc (09022015). Collection method: clinical testing. Allele origin: germline.
Comment: This sequence change replaces glutamic acid, which is acidic and polar, with lysine, which is basic and polar, at codon 351 of the STK11 protein (p.Glu351Lys). The frequency data for this variant in the population databases is considered unreliable, as metrics indicate poor data quality at this position in the gnomAD database. This variant has not been reported in the literature in individuals affected with STK11-related conditions. ClinVar contains an entry for this variant (Variation ID: 484997). Invitae Evidence Modeling of protein sequence and biophysical properties (such as structural, functional, and spatial information, amino acid conservation, physicochemical variation, residue mobility, and thermodynamic stability) indicates that this missense variant is not expected to disrupt STK11 protein function with a negative predictive value of 95%. In summary, the available evidence is currently insufficient to determine the role of this variant in disease. Therefore, it has been classified as a Variant of Uncertain Significance.

Ambry Genetics
Classification: Uncertain significance for Hereditary cancer-predisposing syndrome. Last evaluated: 2024-05-07. Review status: criteria provided, single submitter. Criteria: Ambry Variant Classification Scheme 2023. Collection method: clinical testing. Allele origin: germline.
Comment: The p.E351K variant (also known as c.1051G>A), located in coding exon 8 of the STK11 gene, results from a G to A substitution at nucleotide position 1051. The glutamic acid at codon 351 is replaced by lysine, an amino acid with similar properties. This amino acid position is not well conserved in available vertebrate species. In addition, this alteration is predicted to be tolerated by in silico analysis. Based on the available evidence, the clinical significance of this variant remains unclear.

GeneDx
Classification: Uncertain significance. Last evaluated: 2024-04-30. Review status: criteria provided, single submitter. Criteria: GeneDx Variant Classification Process June 2021. Collection method: clinical testing. Allele origin: germline. Affected: yes.
Comment: Not observed at significant frequency in large population cohorts (gnomAD); In silico analysis indicates that this missense variant does not alter protein structure/function; Has not been previously published as pathogenic or benign to our knowledge; This variant is associated with the following publications: (PMID: 28900777)

Color Diagnostics, LLC DBA Color Health
Classification: Uncertain significance for Hereditary cancer-predisposing syndrome. Last evaluated: 2024-01-30. Review status: criteria provided, single submitter. Criteria: ACMG Guidelines, 2015. Collection method: clinical testing. Allele origin: germline.
Comment: This missense variant replaces glutamic acid with lysine at codon 351 of the STK11 protein. Computational prediction suggests that this variant may not impact protein structure and function. To our knowledge, functional studies have not been reported for this variant. This variant has not been reported in individuals affected with STK11-related disorders in the literature. This variant has not been identified in the general population by the Genome Aggregation Database (gnomAD). The available evidence is insufficient to determine the role of this variant in disease conclusively. Therefore, this variant is classified as a Variant of Uncertain Significance.

Baylor Genetics
Classification: Uncertain significance for Melanoma, cutaneous malignant, susceptibility to, 1. Last evaluated: 2023-08-29. Review status: criteria provided, single submitter. Criteria: ACMG Guidelines, 2015. Collection method: clinical testing. Allele origin: unknown.

All of Us Research Program, National Institutes of Health
Classification: Uncertain significance for Peutz-Jeghers syndrome. Last evaluated: 2023-05-15. Review status: criteria provided, single submitter. Criteria: ACMG Guidelines, 2015. Collection method: clinical testing. Allele origin: germline. Inheritance: Autosomal dominant inheritance. Observed: 1 variant allele, 1 heterozygote.
Comment: This missense variant replaces glutamic acid with lysine at codon 351 of the STK11 protein. Computational prediction suggests that this variant may not impact protein structure and function (internally defined REVEL score threshold <= 0.5, PMID: 27666373). To our knowledge, functional studies have not been reported for this variant. This variant has not been reported in individuals affected with hereditary cancer in the literature. This variant has not been identified in the general population by the Genome Aggregation Database (gnomAD). The available evidence is insufficient to determine the role of this variant in disease conclusively. Therefore, this variant is classified as a Variant of Uncertain Significance.

This study involves interpretation of variants in research participants for the purpose of population health screening. Participant phenotype was not available at the time of variant classification. Additional details can be found in publication PMID: 35346344, PMCID: PMC8962531

Genome-Nilou Lab
Classification: Uncertain significance for Peutz-Jeghers syndrome. Last evaluated: 2021-07-15. Review status: criteria provided, single submitter. Criteria: ACMG Guidelines, 2015. Collection method: clinical testing. Allele origin: germline. Affected: no.